The following is an entry in ClinVar:

NM_177559.3(CSNK2A1):c.52_55del (p.His18fs)

Gene: CSNK2A1 (casein kinase 2 alpha 1; minus strand). Cytogenetic location: 20p13.
Variant type: Microsatellite.
Coding change: c.52_55del on transcript NM_177559.3 (MANE Select); coding-DNA positions 52 to 55, 4 bases deleted (CACA; older notation c.52_55delCACA).
Protein change: p.His18fs; shifts the reading frame from histidine 18.
Molecular consequence: frameshift variant. On other transcripts: intron variant (1).
Genome position (GRCh38, 1-based): chr20:508,497-508,500, TGTG deleted on the plus strand (CACA on the coding strand, the reverse complement: CSNK2A1 is on the minus strand); deleting any 4 consecutive bases within chr20:508,497-508,503 gives the same sequence; the c. name uses the placement nearest the transcript's 3' end. VCF-style (leftmost placement, unchanged base first): chr20-508496-CTGTG-C. GRCh37 (hg19) VCF-style: chr20-489140-CTGTG-C.
Other names: c.52_55del, p.His18fs (NM_001362770.2, NM_001362771.2, NM_001895.4); c.-307-3271_-307-3268del (NM_177560.3); short protein forms H18fs.
Identifiers: ClinVar variation 2498874 (VCV002498874.28), dbSNP rs2514679850, ClinGen allele CA2580614983.

ClinVar aggregate classification (germline): Likely pathogenic (1 of 4 stars; one submission).

Submission:

CeGaT Center for Human Genetics Tuebingen
Classification: Likely pathogenic. Last evaluated: 2023-03-01. Review status: criteria provided, single submitter. Criteria: CeGaT Center For Human Genetics Tuebingen Variant Classification Criteria Version 2. Collection method: clinical testing. Allele origin: germline. Affected: yes. Observed: 1 variant allele.
Comment: CSNK2A1: PVS1:Strong, PM2